The following is an entry in ClinVar:

NM_000368.5(TSC1):c.2781G>T (p.Lys927Asn)

Gene: TSC1 (TSC complex subunit 1; minus strand). Cytogenetic location: 9q34.13.
Variant type: single nucleotide variant.
Coding change: c.2781G>T on transcript NM_000368.5 (MANE Select); coding-DNA position 2781, G replaced by T.
Protein change: p.Lys927Asn; replaces lysine 927 with asparagine.
Molecular consequence: missense variant.
Genome position (GRCh38, 1-based): chr9:132,897,455, C>A on the plus strand (G>T on the coding strand, the complement: TSC1 is on the minus strand). VCF-style: chr9-132897455-C-A. GRCh37 (hg19) VCF-style: chr9-135772842-C-A.
Other names: c.2778G>T, p.Lys926Asn (NM_001162426.2); c.2628G>T, p.Lys876Asn (NM_001162427.2); c.2418G>T, p.Lys806Asn (NM_001362177.2); short protein forms K876N, K806N, K926N, K927N.
Identifiers: ClinVar variation 954938 (VCV000954938.9), dbSNP rs118203733, ClinGen allele CA375369114.

ClinVar aggregate classification (germline): Uncertain significance (1 of 4 stars; one submission).

Conditions:
Tuberous sclerosis 1 (TSC1). Identifiers: Orphanet 805, MedGen C1854465, MONDO:0008612, OMIM 191100.

Submission:

Labcorp Genetics (formerly Invitae), Labcorp
Classification: Uncertain significance for Tuberous sclerosis 1. Last evaluated: 2019-09-03. Review status: criteria provided, single submitter. Criteria: Invitae Variant Classification Sherloc (09022015). Collection method: clinical testing. Allele origin: germline.
Comment: This sequence change replaces lysine with asparagine at codon 927 of the TSC1 protein (p.Lys927Asn). The lysine residue is highly conserved and there is a moderate physicochemical difference between lysine and asparagine. This variant is not present in population databases (ExAC no frequency). This variant has not been reported in the literature in individuals with TSC1-related conditions. Algorithms developed to predict the effect of missense changes on protein structure and function are either unavailable or do not agree on the potential impact of this missense change (SIFT: "Deleterious"; PolyPhen-2: "Probably Damaging"; Align-GVGD: "Class C0"). In summary, the available evidence is currently insufficient to determine the role of this variant in disease. Therefore, it has been classified as a Variant of Uncertain Significance.